The following is an entry in ClinVar:

ClinVar aggregate classification (germline): Likely pathogenic. Review status: criteria provided, multiple submitters, no conflicts (2 of 4 stars). 3 submissions from 3 submitters: Likely pathogenic (3). Last evaluated 2024-04-07.

Conditions:
Histiocytic medullary reticulosis. Also called: SEVERE COMBINED IMMUNODEFICIENCY WITH HYPEREOSINOPHILIA; Omenn syndrome. Identifiers: Orphanet 39041, MedGen C2700553, MONDO:0011338, OMIM 603554.
Severe combined immunodeficiency due to DCLRE1C deficiency (RS-SCID). Also called: SCID, AUTOSOMAL RECESSIVE, T CELL-NEGATIVE, B CELL-NEGATIVE, NK CELL-POSITIVE, WITH SENSITIVITY TO IONIZING RADIATION. Identifiers: Orphanet 275, MedGen C1865371, MONDO:0011225, OMIM 602450.
DCLRE1C-related disorder. Also called: DCLRE1C-related condition.

Allele frequency attached by ClinVar (database versions not stated): gnomAD exomes 0.00003.
gnomAD v4.1: 45 of 1,589,546 alleles (0.0028%); highest among the groups gnomAD compares: Non-Finnish European, 0.0039%; no homozygotes.

Submissions (3):

Fulgent Genetics
Classification: Likely pathogenic for Severe combined immunodeficiency due to DCLRE1C deficiency; Histiocytic medullary reticulosis. Last evaluated: 2024-04-07. Review status: criteria provided, single submitter. Criteria: ACMG Guidelines, 2015. Collection method: clinical testing. Allele origin: germline.

Blueprint Genetics
Classification: Likely pathogenic for DCLRE1C-related disorders. Last evaluated: 2024-01-11. Review status: criteria provided, single submitter. Criteria: ACMG Guidelines, 2015. Collection method: clinical testing. Allele origin: germline. Affected: yes. Observed: 2 variant alleles.

Labcorp Genetics (formerly Invitae), Labcorp
Classification: Likely pathogenic for Athabaskan severe combined immunodeficiency. Last evaluated: 2023-04-28. Review status: criteria provided, single submitter. Criteria: Invitae Variant Classification Sherloc (09022015). Collection method: clinical testing. Allele origin: germline.
Comment: In summary, the currently available evidence indicates that the variant is pathogenic, but additional data are needed to prove that conclusively. Therefore, this variant has been classified as Likely Pathogenic. Algorithms developed to predict the effect of sequence changes on RNA splicing suggest that this variant may disrupt the consensus splice site. ClinVar contains an entry for this variant (Variation ID: 1465225). This variant has not been reported in the literature in individuals affected with DCLRE1C-related conditions. This variant is not present in population databases (gnomAD no frequency). This sequence change affects an acceptor splice site in intron 3 of the DCLRE1C gene. It is expected to disrupt RNA splicing. Variants that disrupt the donor or acceptor splice site typically lead to a loss of protein function (PMID: 16199547), and loss-of-function variants in DCLRE1C are known to be pathogenic (PMID: 21664875, 26123418).

Literature cited by the submitters: PubMed 16199547 (cited by Labcorp Genetics (formerly Invitae), Labcorp); PubMed 21664875 (cited by Labcorp Genetics (formerly Invitae), Labcorp); PubMed 26123418 (cited by Labcorp Genetics (formerly Invitae), Labcorp).

NM_001033855.3(DCLRE1C):c.247-2A>G

Gene: DCLRE1C (DNA cross-link repair 1C; minus strand). Cytogenetic location: 10p13.
Variant type: single nucleotide variant.
Coding change: c.247-2A>G on transcript NM_001033855.3 (MANE Select); the canonical splice acceptor site of the intron before coding-DNA position 247, A replaced by G.
Molecular consequence: splice acceptor variant.
Genome position (GRCh38, 1-based): chr10:14,939,871, T>C on the plus strand (A>G on the coding strand, the complement: DCLRE1C is on the minus strand). VCF-style: chr10-14939871-T-C. GRCh37 (hg19) VCF-style: chr10-14981870-T-C.
Other names: c.-114-2A>G (NM_001289077.2, NM_001289079.2, NM_001033857.3 and 2 more transcripts); c.-43-2A>G (NM_001350966.2, NM_001289078.2, NM_001289076.2 and 1 more transcripts); c.247-2A>G (NM_001350965.2).
Identifiers: ClinVar variation 1465225 (VCV001465225.10), dbSNP rs2131027694, ClinGen allele CA376062499.